The following is an entry in ClinVar:

ClinVar aggregate classification (germline): Uncertain significance (1 of 4 stars; one submission).

Submission:

Labcorp Genetics (formerly Invitae), Labcorp
Classification: Uncertain significance. Last evaluated: 2024-04-05. Review status: criteria provided, single submitter. Criteria: Invitae Variant Classification Sherloc (09022015). Collection method: clinical testing. Allele origin: germline.
Comment: This sequence change replaces proline, which is neutral and non-polar, with alanine, which is neutral and non-polar, at codon 235 of the NPAT protein (p.Pro235Ala). This variant is not present in population databases (gnomAD no frequency). This variant has not been reported in the literature in individuals affected with NPAT-related conditions. An algorithm developed to predict the effect of missense changes on protein structure and function (PolyPhen-2) suggests that this variant is likely to be tolerated. In summary, the available evidence is currently insufficient to determine the role of this variant in disease. Therefore, it has been classified as a Variant of Uncertain Significance.

NM_002519.3(NPAT):c.703C>G (p.Pro235Ala)

Gene: NPAT (nuclear protein, coactivator of histone transcription; minus strand). Cytogenetic location: 11q22.3.
Variant type: single nucleotide variant.
Coding change: c.703C>G on transcript NM_002519.3 (MANE Select); coding-DNA position 703, C replaced by G.
Protein change: p.Pro235Ala; replaces proline 235 with alanine.
Molecular consequence: missense variant.
Genome position (GRCh38, 1-based): chr11:108,186,505, G>C on the plus strand (C>G on the coding strand, the complement: NPAT is on the minus strand). VCF-style: chr11-108186505-G-C. GRCh37 (hg19) VCF-style: chr11-108057232-G-C.
Other names: c.703C>G, p.Pro235Ala (NM_001321307.1); short protein forms P235A.
Identifiers: ClinVar variation 3648933 (VCV003648933.2).
Genomic context (GRCh38, chr11:108,186,505, plus strand): 5'-AATATTTTAAGTTGCAAAGTTTGGCAGAGTCACTTACTTTTTCTACTGCAAAAGCGTTTG[G>C]ATCTTGGAAATTCCGTATTGTTGAATGAGGGCCAGACAAAGTGGTACTTTTTCTCTGAGA-3'
Protein context (NP_002510.2, residues 225-245): PHSTIRNFQD[Pro235Ala]NAFAVEKQMV